The following is an entry in ClinVar:

ClinVar aggregate classification (germline): Likely benign. Review status: criteria provided, single submitter (1 of 4 stars). 2 submissions from 2 submitters: Likely benign (1). 1 of the submissions does not count toward it. Last evaluated 2024-10-10.

Conditions:
ADCY3-related disorder. Also called: ADCY3-related condition.

gnomAD v4.1: 40 of 1,564,568 alleles (0.0026%); highest among the groups gnomAD compares: Non-Finnish European, 0.0034%; no homozygotes.

Submissions (2):

Blueprint Genetics
Classification: Likely benign. Last evaluated: 2024-10-10. Review status: criteria provided, single submitter. Criteria: ACMG Guidelines, 2015. Collection method: clinical testing. Allele origin: germline.

PreventionGenetics, part of Exact Sciences
Classification: Likely benign for ADCY3-related condition. Last evaluated: 2024-09-12. Review status: no assertion criteria provided. Collection method: clinical testing. Allele origin: germline. Not counted in ClinVar's aggregate classification.
Comment: This variant is classified as likely benign based on ACMG/AMP sequence variant interpretation guidelines (Richards et al. 2015 PMID: 25741868, with internal and published modifications).

NM_004036.5(ADCY3):c.666G>A (p.Leu222=)

Gene: ADCY3 (adenylate cyclase 3; minus strand). Cytogenetic location: 2p23.3.
Variant type: single nucleotide variant.
Coding change: c.666G>A on transcript NM_004036.5 (MANE Select); coding-DNA position 666, G replaced by A.
Protein change: p.Leu222=; no amino-acid change (leucine 222 retained).
Molecular consequence: synonymous variant.
Genome position (GRCh38, 1-based): chr2:24,918,322, C>T on the plus strand (G>A on the coding strand, the complement: ADCY3 is on the minus strand). VCF-style: chr2-24918322-C-T. GRCh37 (hg19) VCF-style: chr2-25141191-C-T.
Other names: c.666G>A, p.Leu222= (NM_001320613.2, NM_001377128.1, NM_001377129.1 and 2 more transcripts).
Identifiers: ClinVar variation 3353727 (VCV003353727.2).